The following is an entry in ClinVar:

ClinVar aggregate classification (germline): Uncertain significance. Review status: reviewed by expert panel (3 of 4 stars). 2 submissions from 2 submitters: Uncertain significance (1). 1 of the submissions does not count toward it. Last evaluated 2025-08-01.

Conditions:
Malignant hyperthermia, susceptibility to, 1 (MHS1). Also called: RYR1-Related Malignant Hyperthermia Susceptibility; Anesthesia related hyperthermia; Malignant hyperpyrexia; Fulminating hyperpyrexia; Pharmacogenic myopathy; Malignant hyperthermia suceptibility 1. Identifiers: Orphanet 423, MedGen C2930980, MONDO:0007783, OMIM 145600.

Allele frequency attached by ClinVar (database versions not stated): gnomAD exomes below 0.00001.

Submissions (2):

ClinGen Malignant Hyperthermia Susceptibility Variant Curation Expert Panel, ClinGen
Classification: Uncertain significance for Malignant hyperthermia, susceptibility to, 1. Last evaluated: 2025-08-01. Review status: reviewed by expert panel. Criteria: ClinGen MHS ACMG Specifications V2. Collection method: curation. Allele origin: germline. Inheritance: Autosomal dominant inheritance.
Comment: This pathogenicity assessment is relevant only for malignant hyperthermia susceptibility (MHS) inherited in an autosomal dominant pattern. Variants in RYR1 can also cause other myopathies inherited in an autosomal dominant pattern or in an autosomal recessive pattern. Some of these disorders may predispose individuals to malignant hyperthermia. RYR1 variants may also contribute to a malignant hyperthermia reaction in combination with other genetic and non-genetic factors and the clinician needs to consider such factors in making management decisions. This sequence variant predicts a substitution of lysine with glutamine at codon 2013 of the RYR1 protein, p.Lys2013Gln. This variant was not present in a large population database (gnomAD) at the time this variant was interpreted. This variant has been reported in an individual with a personal or family history of an MH episode and a positive in vitro contracture test (IVCT) or caffeine halothane contracture test (CHCT) result (if the proband was unavailable for testing, a positive diagnostic test result in a mutation-positive relative was counted), PS4_Supporting (PMID:20681998). No functional studies were identified for this variant. This variant does not reside in a hotspot for pathogenic variants that contribute to MHS. A REVEL score <0.5 (0.397) supports a benign status for this variant, BP4. This variant has been classified as a Variant of Unknown Significance. Criteria implemented: PS4_Supporting, BP4.

GeneDx
Classification: Uncertain significance. Last evaluated: 2025-01-17. Review status: criteria provided, single submitter. Criteria: GeneDx Variant Classification Process June 2021. Collection method: clinical testing. Allele origin: germline. Not counted in ClinVar's aggregate classification.
Comment: Not observed at significant frequency in large population cohorts (gnomAD); In silico analysis supports that this missense variant does not alter protein structure/function; This variant is associated with the following publications: (PMID: 20681998)

NM_000540.3(RYR1):c.6037A>C (p.Lys2013Gln)

Gene: RYR1 (ryanodine receptor 1; plus strand). Cytogenetic location: 19q13.2.
Variant type: single nucleotide variant.
Coding change: c.6037A>C on transcript NM_000540.3 (MANE Select); coding-DNA position 6037, A replaced by C.
Protein change: p.Lys2013Gln; replaces lysine 2013 with glutamine.
Molecular consequence: missense variant.
Genome position (GRCh38, 1-based): chr19:38,490,642, A>C. VCF-style: chr19-38490642-A-C. GRCh37 (hg19) VCF-style: chr19-38981282-A-C.
Other names: c.6037A>C (NM_000540.2); c.6037A>C, p.Lys2013Gln (NM_001042723.2); short protein forms K2013Q.
Identifiers: ClinVar variation 1210319 (VCV001210319.5), dbSNP rs2145564171, ClinGen allele CA405660749.